The following is an entry in ClinVar:

NM_001364171.2(ODAD1):c.1324C>T (p.Arg442Trp)

Gene: ODAD1 (outer dynein arm docking complex subunit 1; minus strand). Cytogenetic location: 19q13.33.
Variant type: single nucleotide variant.
Coding change: c.1324C>T on transcript NM_001364171.2 (MANE Select); coding-DNA position 1324, C replaced by T.
Protein change: p.Arg442Trp; replaces arginine 442 with tryptophan.
Molecular consequence: missense variant.
Genome position (GRCh38, 1-based): chr19:48,298,257, G>A on the plus strand (C>T on the coding strand, the complement: ODAD1 is on the minus strand). VCF-style: chr19-48298257-G-A. GRCh37 (hg19) VCF-style: chr19-48801514-G-A.
Other names: c.1213C>T, p.Arg405Trp (NM_144577.4); short protein forms R405W, R442W.
Identifiers: ClinVar variation 938715 (VCV000938715.8), dbSNP rs138500585, ClinGen allele CA9548741.
Genomic context (GRCh38, chr19:48,298,257, plus strand): 5'-GCACTGTCAGGAGCTCCACCAGCCGCTTCTCAATGAGGCTCAGGAAGAGGCCCATGTCCC[G>A]GTCTCCCATGCTGGTCTTGACCCCAAGGAGGTCATCGATCATGCTGCTGTCGCAATGGGC-3'
Protein context (NP_001351100.1, residues 432-452): LLGVKTSMGD[Arg442Trp]DMGLFLSLIE

ClinVar aggregate classification (germline): Uncertain significance. Review status: criteria provided, multiple submitters, no conflicts (2 of 4 stars). 3 submissions from 3 submitters: Uncertain significance (3). Last evaluated 2025-12-02.

Conditions:
Primary ciliary dyskinesia. Also called: Ciliary dyskinesia. Identifiers: Orphanet 244, MedGen C0008780, MONDO:0016575, HP:0012265.

Allele frequency attached by ClinVar (database versions not stated): gnomAD exomes 0.00008 and 0.00024; gnomAD 0.00009 and 0.00011; TOPMed 0.00009; ExAC 0.00011; ESP Exome Variant Server 0.00015.
gnomAD v4.1: 348 of 1,613,964 alleles (0.022%); highest among the groups gnomAD compares: Non-Finnish European, 0.028%; no homozygotes.

Submissions (3):

Ambry Genetics
Classification: Uncertain significance for Primary ciliary dyskinesia. Last evaluated: 2025-12-02. Review status: criteria provided, single submitter. Criteria: Ambry Variant Classification Scheme 2023. Collection method: clinical testing. Allele origin: germline.

Blueprint Genetics
Classification: Uncertain significance. Last evaluated: 2024-10-10. Review status: criteria provided, single submitter. Criteria: ACMG Guidelines, 2015. Collection method: clinical testing. Allele origin: germline.

Labcorp Genetics (formerly Invitae), Labcorp
Classification: Uncertain significance for Primary ciliary dyskinesia. Last evaluated: 2022-06-13. Review status: criteria provided, single submitter. Criteria: Invitae Variant Classification Sherloc (09022015). Collection method: clinical testing. Allele origin: germline.
Comment: This sequence change replaces arginine, which is basic and polar, with tryptophan, which is neutral and slightly polar, at codon 405 of the CCDC114 protein (p.Arg405Trp). This variant is present in population databases (rs138500585, gnomAD 0.02%). This variant has not been reported in the literature in individuals affected with CCDC114-related conditions. ClinVar contains an entry for this variant (Variation ID: 938715). Algorithms developed to predict the effect of missense changes on protein structure and function are either unavailable or do not agree on the potential impact of this missense change (SIFT: "Deleterious"; PolyPhen-2: "Probably Damaging"; Align-GVGD: "Class C0"). In summary, the available evidence is currently insufficient to determine the role of this variant in disease. Therefore, it has been classified as a Variant of Uncertain Significance.